The following is an entry in ClinVar:

ClinVar aggregate classification (germline): Likely pathogenic (1 of 4 stars; one submission).

Conditions:
Ataxia-telangiectasia syndrome (AT). Also called: Ataxia-telangiectasia, complementation group E; Ataxia telangiectasia (A-T); LOUIS-BAR SYNDROME; Ataxia-telangiectasia, complementation group D; AT, COMPLEMENTATION GROUP C; ATAXIA-TELANGIECTASIA, COMPLEMENTATION GROUP A. Identifiers: Orphanet 100, MedGen C0004135, MONDO:0008840, OMIM 208900.

Submission:

Natera, Inc.
Classification: Likely pathogenic for Ataxia-telangiectasia. Last evaluated: 2024-04-09. Review status: criteria provided, single submitter. Criteria: Natera Variant Classification Schema (03/2026). Collection method: clinical testing. Allele origin: germline.
Comment: The c.279_280dupGA variant in ATM is a frameshift variant predicted to shift the reading frame beginning at codon 94 and leads to a stop codon 23 codons downstream. This variant is expected to result in nonsense mediated decay, truncation, or a dysfunctional protein product. This variant is rare in the general population with a frequency below the threshold expected for the associated phenotype(s). Given the available evidence, this variant is classified as Likely Pathogenic.

NM_000051.4(ATM):c.279_280dup (p.Met94fs)

Gene: ATM (ATM serine/threonine kinase; plus strand). Cytogenetic location: 11q22.3.
Variant type: Duplication.
Coding change: c.279_280dup on transcript NM_000051.4 (MANE Select); coding-DNA positions 279 to 280, 2 bases duplicated (GA; older notation c.279_280dupGA).
Protein change: p.Met94fs; shifts the reading frame from methionine 94.
Molecular consequence: frameshift variant.
Genome position (GRCh38, 1-based): chr11:108,229,271-108,229,272, GA duplicated; duplicating any 2 consecutive bases within chr11:108,229,270-108,229,272 gives the same sequence; the c. name uses the placement nearest the transcript's 3' end. VCF-style (leftmost placement, unchanged base first): chr11-108229269-A-AAG. GRCh37 (hg19) VCF-style: chr11-108099996-A-AAG.
Other names: c.279_280dupGA (NM_000051.3); c.279_280dup, p.Met94fs (NM_001351834.2, NM_001351835.2, NM_001351836.2); short protein forms M94fs.
Identifiers: ClinVar variation 4814347 (VCV004814347.1).